The following is an entry in ClinVar:

NM_031844.3(HNRNPU):c.1060_1061del (p.Asp353_Ile354insTer)

Gene: HNRNPU (heterogeneous nuclear ribonucleoprotein U; minus strand). Cytogenetic location: 1q44.
Variant type: Microsatellite.
Coding change: c.1060_1061del on transcript NM_031844.3 (MANE Select); coding-DNA positions 1060 to 1061, 2 bases deleted (AT; older notation c.1060_1061delAT).
Protein change: p.Asp353_Ile354insTer.
Molecular consequence: nonsense.
Genome position (GRCh38, 1-based): chr1:244,859,331-244,859,332, AT deleted on the plus strand (AT on the coding strand, the reverse complement: HNRNPU is on the minus strand); deleting any 2 consecutive bases within chr1:244,859,331-244,859,334 gives the same sequence; the c. name uses the placement nearest the transcript's 3' end. VCF-style (leftmost placement, unchanged base first): chr1-244859330-AAT-A. GRCh37 (hg19) VCF-style: chr1-245022632-AAT-A.
Other names: c.1003_1004del, p.Asp334_Ile335insTer (NM_004501.3).
Identifiers: ClinVar variation 1298471 (VCV001298471.36), dbSNP rs2102987471, ClinGen allele CA2580611579.

ClinVar aggregate classification (germline): Pathogenic. Review status: criteria provided, multiple submitters, no conflicts (2 of 4 stars). 2 submissions from 2 submitters: Pathogenic (2). Last evaluated 2022-01-21.

Conditions:
Developmental and epileptic encephalopathy, 54. Also called: HNRNPU-Related Neurodevelopmental Disorder; Epileptic encephalopathy, early infantile, 54. Identifiers: MedGen C4479319, MONDO:0033363, OMIM 617391.

Submissions (2):

Laboratory of Medical Genetics, National & Kapodistrian University of Athens
Classification: Pathogenic for Developmental and epileptic encephalopathy, 54. Last evaluated: 2022-01-21. Review status: criteria provided, single submitter. Criteria: ACMG Guidelines, 2015. Collection method: clinical testing. Allele origin: germline. Affected: yes.
Comment: PVS1, PM2, PP3, PP5

CeGaT Center for Human Genetics Tuebingen
Classification: Pathogenic. Last evaluated: 2021-09-01. Review status: criteria provided, single submitter. Criteria: CeGaT Center For Human Genetics Tuebingen Variant Classification Criteria Version 2. Collection method: clinical testing. Allele origin: germline. Affected: yes. Observed: 1 variant allele.